The following is an entry in ClinVar:

ClinVar aggregate classification (germline): Pathogenic (1 of 4 stars; one submission).

Submission:

Labcorp Genetics (formerly Invitae), Labcorp
Classification: Pathogenic. Last evaluated: 2023-04-10. Review status: criteria provided, single submitter. Criteria: Invitae Variant Classification Sherloc (09022015). Collection method: clinical testing. Allele origin: unknown.
Comment: For these reasons, this variant has been classified as Pathogenic. This variant has not been reported in the literature in individuals affected with PCNT-related conditions. This variant is a gross deletion of the genomic region encompassing exon(s) 1-3 of the PCNT gene, which includes the initiator codon. This deletion extends beyond the assayed region for this gene and therefore may encompass additional genes. It is expected to result in an absent or disrupted protein product. Loss-of-function variants in PCNT are known to be pathogenic (PMID: 18174396, 22821869).

Literature cited by the submitters: PubMed 18174396; PubMed 22821869.

NC_000021.8:g.(?_47744143)_(47754702_?)del

Gene: PCNT (pericentrin; plus strand). Cytogenetic location: 21q22.3.
Variant type: Deletion.
Identifiers: ClinVar variation 3248191 (VCV003248191.1).